The following is an entry in ClinVar:

NM_001042492.3(NF1):c.7699C>T (p.Pro2567Ser)

Gene: NF1 (neurofibromin 1; plus strand). Cytogenetic location: 17q11.2.
Variant type: single nucleotide variant.
Coding change: c.7699C>T on transcript NM_001042492.3 (MANE Select); coding-DNA position 7699, C replaced by T.
Protein change: p.Pro2567Ser; replaces proline 2567 with serine.
Molecular consequence: missense variant.
Genome position (GRCh38, 1-based): chr17:31,356,543, C>T. VCF-style: chr17-31356543-C-T. GRCh37 (hg19) VCF-style: chr17-29683561-C-T.
Other names: c.7636C>T, p.Pro2546Ser (NM_000267.4); short protein forms P2546S, P2567S.
Identifiers: ClinVar variation 4800806 (VCV004800806.1).

ClinVar aggregate classification (germline): Uncertain significance (1 of 4 stars; one submission).

Conditions:
Neurofibromatosis, type 1 (NF1). Also called: VON RECKLINGHAUSEN DISEASE; Neurofibromatosis, type I; NEUROFIBROMATOSIS, TYPE I, SOMATIC; Peripheral type neurofibromatosis. Identifiers: Orphanet 636, MedGen C0027831, MONDO:0018975, OMIM 162200. Disease mechanism: loss of function.

Submission:

Labcorp Genetics (formerly Invitae), Labcorp
Classification: Uncertain significance for Neurofibromatosis, type 1. Last evaluated: 2025-02-25. Review status: criteria provided, single submitter. Criteria: Invitae Variant Classification Sherloc (09022015). Collection method: clinical testing. Allele origin: germline.
Comment: This sequence change replaces proline, which is neutral and non-polar, with serine, which is neutral and polar, at codon 2546 of the NF1 protein (p.Pro2546Ser). This variant is not present in population databases (gnomAD no frequency). This variant has not been reported in the literature in individuals affected with NF1-related conditions. Invitae Evidence Modeling of protein sequence and biophysical properties (such as structural, functional, and spatial information, amino acid conservation, physicochemical variation, residue mobility, and thermodynamic stability) indicates that this missense variant is not expected to disrupt NF1 protein function with a negative predictive value of 95%. In summary, the available evidence is currently insufficient to determine the role of this variant in disease. Therefore, it has been classified as a Variant of Uncertain Significance.